The following is an entry in ClinVar:

NM_152263.4(TPM3):c.*1791G>A

Gene: TPM3 (tropomyosin 3; minus strand). Cytogenetic location: 1q21.3.
Variant type: single nucleotide variant.
Coding change: c.*1791G>A on transcript NM_152263.4 (MANE Select); 1791 bases downstream of the stop codon, G replaced by A.
Molecular consequence: 3 prime UTR variant. On other transcripts: intron variant (12).
Genome position (GRCh38, 1-based): chr1:154,166,146, C>T on the plus strand (G>A on the coding strand, the complement: TPM3 is on the minus strand). VCF-style: chr1-154166146-C-T. GRCh37 (hg19) VCF-style: chr1-154138622-C-T.
Other names: c.*1791G>A (NM_001364682.1, NM_001364683.1); c.775+4254G>A (NM_001364679.2, NM_001364681.2, NM_001364680.2); c.466+4254G>A (NM_001278188.2); c.664+4254G>A (NM_001043351.2, NM_001043353.2, NM_153649.4 and 1 more transcripts); c.743+3159G>A (NM_001349679.2, NM_001278189.2); c.601+4254G>A (NM_001278190.2); c.394+4254G>A (NM_001278191.2).
Identifiers: ClinVar variation 292674 (VCV000292674.5), dbSNP rs114799756, ClinGen allele CA10607724.

ClinVar aggregate classification (germline): Benign. Review status: criteria provided, single submitter (1 of 4 stars). 2 submissions from 1 submitter: Benign (2). Last evaluated 2018-01-13.

Conditions:
Congenital myopathy with fiber type disproportion. Also called: Congenital fiber-type disproportion myopathy; Congenital fiber-type disproportion. Identifiers: Orphanet 2020, MedGen C0546264, MONDO:0009711. Inheritance: all.
Congenital myopathy 4B, autosomal recessive. Also called: Nemaline myopathy 1, autosomal dominant or recessive. Identifiers: Orphanet 171433, Orphanet 171439, Orphanet 171881, MedGen C5829889, MONDO:0012239, OMIM 609284.

Allele frequency attached by ClinVar (database versions not stated): TOPMed 0.01340; 1000 Genomes Project 0.01498; gnomAD exomes 0.00227; gnomAD 0.01140 and 0.01222; 1000 Genomes Project 30x 0.01686.
gnomAD v4.1: 1,908 of 225,844 alleles (0.84%); highest among the groups gnomAD compares: African/African-American, 3.9%; 44 homozygotes.

Submissions (2):

Illumina Laboratory Services, Illumina
Classification: Benign for Congenital myopathy 4B, autosomal recessive. Last evaluated: 2018-01-13. Review status: criteria provided, single submitter. Criteria: ICSL Variant Classification Criteria 13 December 2019. Collection method: clinical testing. Allele origin: germline.
Comment: This variant was observed in the ICSL laboratory as part of a predisposition screen in an ostensibly healthy population. It had not been previously curated by ICSL or reported in the Human Gene Mutation Database (HGMD: prior to June 1st, 2018), and was therefore a candidate for classification through an automated scoring system. Utilizing variant allele frequency, disease prevalence and penetrance estimates, and inheritance mode, an automated score was calculated to assess if this variant is too frequent to cause the disease. Based on the score and internal cut-off values, a variant classified as benign is not then subjected to further curation. The score for this variant resulted in a classification of benign for this disease.

Illumina Laboratory Services, Illumina
Classification: Benign for Congenital myopathy 4A, autosomal dominant. Last evaluated: 2018-01-13. Review status: criteria provided, single submitter. Criteria: ICSL Variant Classification Criteria 13 December 2019. Collection method: clinical testing. Allele origin: germline.
Comment: the same text as in the submission from Illumina Laboratory Services, Illumina above.